The following is an entry in ClinVar:

NM_000143.4(FH):c.105G>C (p.Ser35=)

Gene: FH (fumarate hydratase; minus strand). Cytogenetic location: 1q43.
Variant type: single nucleotide variant.
Coding change: c.105G>C on transcript NM_000143.4 (MANE Select); coding-DNA position 105, G replaced by C.
Protein change: p.Ser35=; no amino-acid change (serine 35 retained).
Molecular consequence: synonymous variant.
Genome position (GRCh38, 1-based): chr1:241,519,618, C>G on the plus strand (G>C on the coding strand, the complement: FH is on the minus strand). VCF-style: chr1-241519618-C-G. GRCh37 (hg19) VCF-style: chr1-241682918-C-G.
Identifiers: ClinVar variation 716184 (VCV000716184.20), dbSNP rs181655698, ClinGen allele CA40337923.

ClinVar aggregate classification (germline): Benign/Likely benign. Review status: criteria provided, multiple submitters, no conflicts (2 of 4 stars). 5 submissions from 5 submitters: Benign (1); Likely benign (3). 1 of the submissions does not count toward it. Last evaluated 2025-12-23.

Conditions:
Hereditary cancer-predisposing syndrome. Also called: Neoplastic Syndromes, Hereditary; Hereditary Cancer Syndrome; Hereditary neoplastic syndrome; Tumor predisposition. Identifiers: Orphanet 140162, MedGen C0027672, MeSH D009386, MONDO:0015356.
Hereditary leiomyomatosis and renal cell cancer. Also called: Familial leiomyomatosis; Reed syndrome; Multiple cutaneous and uterine leiomyomatosis; Cutaneous leiomyomata with uterine leiomyomata; Leiomyoma, hereditary multiple, of skin; Multiple cutaneous and uterine leiomyomata. Identifiers: Orphanet 523, MedGen C1708350, MONDO:0007888, OMIM 150800, HP:0007437. Disease mechanism: loss of function.
Fumarase deficiency (FMRD). Also called: Fumarate Hydratase Deficiency; Fumaric aciduria. Identifiers: Orphanet 24, MedGen C0342770, MONDO:0011730, OMIM 606812.

Allele frequency attached by ClinVar (database versions not stated): TOPMed 0.00010.
gnomAD v4.1: 14 of 1,547,656 alleles (0.0009%); highest among the groups gnomAD compares: African/African-American, 0.018%; no homozygotes.

Submissions (5):

Labcorp Genetics (formerly Invitae), Labcorp
Classification: Likely benign. Last evaluated: 2025-12-23. Review status: criteria provided, single submitter. Criteria: Invitae Variant Classification Sherloc (09022015). Collection method: clinical testing. Allele origin: germline.

Myriad Genetics, Inc.
Classification: Benign for Hereditary leiomyomatosis and renal cell cancer. Last evaluated: 2024-10-17. Review status: criteria provided, single submitter. Criteria: Myriad Autosomal Dominant, Autosomal Recessive and X-Linked Classification Criteria (2023). Collection method: clinical testing. Allele origin: unknown.
Comment: This variant is considered benign. This variant is a silent/synonymous amino acid change and it is not expected to impact splicing.

GeneDx
Classification: Likely benign. Last evaluated: 2021-08-04. Review status: criteria provided, single submitter. Criteria: GeneDx Variant Classification Process June 2021. Collection method: clinical testing. Allele origin: germline. Affected: yes.

Ambry Genetics
Classification: Likely benign for Hereditary cancer-predisposing syndrome. Last evaluated: 2018-09-04. Review status: criteria provided, single submitter. Criteria: Ambry Variant Classification Scheme 2023. Collection method: clinical testing. Allele origin: germline.

Natera, Inc.
Classification: Likely benign for Fumarase deficiency. Last evaluated: 2020-09-16. Review status: no assertion criteria provided. Collection method: clinical testing. Allele origin: germline. Not counted in ClinVar's aggregate classification.